The following is an entry in ClinVar:

ClinVar aggregate classification (germline): Uncertain significance. Review status: criteria provided, multiple submitters, no conflicts (2 of 4 stars). 2 submissions from 2 submitters: Uncertain significance (2). Last evaluated 2020-02-21.

Conditions:
Myopathy, proximal, and ophthalmoplegia (CMYO6). Also called: INCLUSION BODY MYOPATHY 3, AUTOSOMAL DOMINANT; CONGENITAL MYOPATHY 6 WITH OPHTHALMOPLEGIA; MYOPATHY WITH CONGENITAL JOINT CONTRACTURES, OPHTHALMOPLEGIA, AND RIMMED VACUOLES. Identifiers: Orphanet 363677, Orphanet 79091, MedGen C1854106, MONDO:0011577, OMIM 605637.

Submissions (2):

Labcorp Genetics (formerly Invitae), Labcorp
Classification: Uncertain significance for Myopathy, proximal, and ophthalmoplegia. Last evaluated: 2020-02-21. Review status: criteria provided, single submitter. Criteria: Invitae Variant Classification Sherloc (09022015). Collection method: clinical testing. Allele origin: germline.
Comment: This sequence change replaces lysine with arginine at codon 1002 of the MYH2 protein (p.Lys1002Arg). The lysine residue is highly conserved and there is a small physicochemical difference between lysine and arginine. This variant is not present in population databases (ExAC no frequency). This variant has not been reported in the literature in individuals with MYH2-related conditions. Algorithms developed to predict the effect of missense changes on protein structure and function (SIFT, PolyPhen-2, Align-GVGD) all suggest that this variant is likely to be disruptive, but these predictions have not been confirmed by published functional studies and their clinical significance is uncertain. In summary, the available evidence is currently insufficient to determine the role of this variant in disease. Therefore, it has been classified as a Variant of Uncertain Significance.

Revvity Omics, Revvity
Classification: Uncertain significance for Myopathy, proximal, and ophthalmoplegia. Last evaluated: 2019-11-13. Review status: criteria provided, single submitter. Criteria: ACMG Guidelines, 2015. Collection method: clinical testing. Allele origin: germline.

NM_017534.6(MYH2):c.3005A>G (p.Lys1002Arg)

Genes: MYHAS (myosin heavy chain gene cluster antisense RNA; plus strand), MYH2 (myosin heavy chain 2; minus strand). Cytogenetic location: 17p13.1.
Variant type: single nucleotide variant.
Coding change: c.3005A>G on transcript NM_017534.6 (MANE Select); coding-DNA position 3005, A replaced by G.
Protein change: p.Lys1002Arg; replaces lysine 1002 with arginine.
Molecular consequence: missense variant.
Genome position (GRCh38, 1-based): chr17:10,529,676, T>C on the plus strand (A>G on the coding strand, the complement: MYH2 is on the minus strand). VCF-style: chr17-10529676-T-C. GRCh37 (hg19) VCF-style: chr17-10432993-T-C.
Other names: c.3005A>G (NM_017534.5); c.3005A>G, p.Lys1002Arg (NM_001100112.2); short protein forms K1002R.
Identifiers: ClinVar variation 1009191 (VCV001009191.8), dbSNP rs1324293373, ClinGen allele CA398140450.